The following is an entry in ClinVar:

NM_000179.3(MSH6):c.3916_3973dup (p.Lys1325delinsSerTer)

Gene: MSH6 (mutS homolog 6; plus strand). Cytogenetic location: 2p16.3.
Variant type: Duplication.
Coding change: c.3916_3973dup on transcript NM_000179.3 (MANE Select); coding-DNA positions 3916 to 3973, 58 bases duplicated.
Protein change: p.Lys1325delinsSerTer.
Molecular consequence: nonsense.
Genome position (GRCh38, 1-based): chr2:47,806,566-47,806,623, 58 bases duplicated. GRCh37 (hg19): chr2:48,033,705-48,033,762.
Other names: c.3526_3583dup, p.Lys1195delinsSerTer (NM_001281492.2); c.3010_3067dup, p.Lys1023delinsSerTer (NM_001281493.2, NM_001281494.2).
Identifiers: ClinVar variation 1368701 (VCV001368701.8), dbSNP rs2104560664, ClinGen allele CA915940370.

ClinVar aggregate classification (germline): Pathogenic. Review status: criteria provided, multiple submitters, no conflicts (2 of 4 stars). 2 submissions from 2 submitters: Pathogenic (2). Last evaluated 2023-08-10.

Conditions:
Hereditary nonpolyposis colorectal neoplasms. Identifiers: MedGen C0009405, MeSH D003123.
Hereditary cancer-predisposing syndrome. Also called: Neoplastic Syndromes, Hereditary; Tumor predisposition; Hereditary neoplastic syndrome; Hereditary Cancer Syndrome. Identifiers: Orphanet 140162, MedGen C0027672, MeSH D009386, MONDO:0015356.

Submissions (2):

Labcorp Genetics (formerly Invitae), Labcorp
Classification: Pathogenic for Hereditary nonpolyposis colorectal neoplasms. Last evaluated: 2023-08-10. Review status: criteria provided, single submitter. Criteria: Invitae Variant Classification Sherloc (09022015). Collection method: clinical testing. Allele origin: germline.
Comment: This sequence change creates a premature translational stop signal (p.Lys1325Serfs*2) in the MSH6 gene. While this is not anticipated to result in nonsense mediated decay, it is expected to disrupt the last 36 amino acid(s) of the MSH6 protein. This variant is not present in population databases (gnomAD no frequency). This variant has not been reported in the literature in individuals affected with MSH6-related conditions. ClinVar contains an entry for this variant (Variation ID: 1368701). Algorithms developed to predict the effect of sequence changes on RNA splicing suggest that this variant may disrupt the consensus splice site. This variant disrupts a region of the MSH6 protein in which other variant(s) (p.Leu1330Valfs*12) have been determined to be pathogenic (PMID: 14520694, 15236168, 16237223, 19851887, 21155762). This suggests that this is a clinically significant region of the protein, and that variants that disrupt it are likely to be disease-causing. For these reasons, this variant has been classified as Pathogenic.

Ambry Genetics
Classification: Pathogenic for Hereditary cancer-predisposing syndrome. Last evaluated: 2019-10-31. Review status: criteria provided, single submitter. Criteria: Ambry Variant Classification Scheme 2023. Collection method: clinical testing. Allele origin: germline.
Comment: The c.3916_3973dup58 variant, located in coding exon 9 of the MSH6 gene, results from a duplication of 58 nucleotides at nucleotide position 3916, causing a translational frameshift with a predicted alternate stop codon (p.K1325Sfs*2). This alteration is expected to result in loss of function by premature protein truncation. As such, this alteration is interpreted as a disease-causing mutation.

Literature cited by the submitters: PubMed 14520694 (cited by Labcorp Genetics (formerly Invitae), Labcorp); PubMed 15236168 (cited by Labcorp Genetics (formerly Invitae), Labcorp); PubMed 16237223 (cited by Labcorp Genetics (formerly Invitae), Labcorp); PubMed 19851887 (cited by Labcorp Genetics (formerly Invitae), Labcorp); PubMed 21155762 (cited by Labcorp Genetics (formerly Invitae), Labcorp).